The following is an entry in ClinVar:

ClinVar aggregate classification (germline): Uncertain significance (0 of 4 stars; one submission).

Conditions:
ZBTB39-related condition.

Submission:

PreventionGenetics, part of Exact Sciences
Classification: Uncertain significance for ZBTB39-related condition. Last evaluated: 2024-04-09. Review status: no assertion criteria provided. Collection method: clinical testing. Allele origin: germline.
Comment: The ZBTB39 c.2092A>C variant is predicted to result in the amino acid substitution p.Met698Leu. This variant has been reported as a de novo variant in at least one individual with autism spectrum disorder (Fu et al 2022. PubMed ID: 35982160; Zhou et al 2022. PubMed ID: 35982159). This variant has not been reported in a large population database, indicating this variant is rare. At this time, the clinical significance of this variant is uncertain due to the absence of conclusive functional and genetic evidence.

NM_014830.3(ZBTB39):c.2092A>C (p.Met698Leu)

Gene: ZBTB39 (zinc finger and BTB domain containing 39; minus strand). Cytogenetic location: 12q13.3.
Variant type: single nucleotide variant.
Coding change: c.2092A>C on transcript NM_014830.3 (MANE Select); coding-DNA position 2092, A replaced by C.
Protein change: p.Met698Leu; replaces methionine 698 with leucine.
Molecular consequence: missense variant.
Genome position (GRCh38, 1-based): chr12:57,002,826, T>G on the plus strand (A>C on the coding strand, the complement: ZBTB39 is on the minus strand). VCF-style: chr12-57002826-T-G. GRCh37 (hg19) VCF-style: chr12-57396610-T-G.
Other names: short protein forms M698L.
Identifiers: ClinVar variation 3352071 (VCV003352071.1).